The following is an entry in ClinVar:

NM_201596.3(CACNB2):c.1025T>C (p.Ile342Thr)

Gene: CACNB2 (calcium voltage-gated channel auxiliary subunit beta 2; plus strand). Cytogenetic location: 10p12.31.
Variant type: single nucleotide variant.
Coding change: c.1025T>C on transcript NM_201596.3 (MANE Select); coding-DNA position 1025, T replaced by C.
Protein change: p.Ile342Thr; replaces isoleucine 342 with threonine.
Molecular consequence: missense variant.
Genome position (GRCh38, 1-based): chr10:18,527,668, T>C. VCF-style: chr10-18527668-T-C. GRCh37 (hg19) VCF-style: chr10-18816597-T-C.
Other names: c.860T>C, p.Ile287Thr (NM_000724.4); c.827T>C, p.Ile276Thr (NM_001167945.2); c.746T>C, p.Ile249Thr (NM_001330060.2); c.881T>C, p.Ile294Thr (NM_201570.3); c.941T>C, p.Ile314Thr (NM_201571.4); c.869T>C, p.Ile290Thr (NM_201572.4); c.863T>C, p.Ile288Thr (NM_201590.3); c.911T>C, p.Ile304Thr (NM_201593.3); and 1 more; short protein forms I342T, I288T, I290T, I318T, I276T, I304T, I314T, I294T.
Identifiers: ClinVar variation 411701 (VCV000411701.11), dbSNP rs778426010, ClinGen allele CA5429873.

ClinVar aggregate classification (germline): Conflicting classifications of pathogenicity. Review status: criteria provided, conflicting classifications (1 of 4 stars). 3 submissions from 3 submitters: Uncertain significance (1); Likely benign (2). Last evaluated 2024-11-08.

Conditions:
Cardiovascular phenotype. Identifiers: MedGen CN230736.
Brugada syndrome 4 (BRGDA4). Identifiers: Orphanet 130, MedGen C2678477, MONDO:0012743, OMIM 611876.

Allele frequency attached by ClinVar (database versions not stated): gnomAD exomes 0.00005 and 0.00006; ExAC 0.00006; gnomAD 0.00007; TOPMed 0.00002.
gnomAD v4.1: 81 of 1,613,500 alleles (0.005%); highest among the groups gnomAD compares: East Asian, 0.065%; no homozygotes.

Submissions (3):

Blueprint Genetics
Classification: Likely benign. Last evaluated: 2024-11-08. Review status: criteria provided, single submitter. Criteria: ACMG Guidelines, 2015. Collection method: clinical testing. Allele origin: germline.

Ambry Genetics
Classification: Likely benign for Cardiovascular phenotype. Last evaluated: 2024-10-06. Review status: criteria provided, single submitter. Criteria: Ambry Variant Classification Scheme 2023. Collection method: clinical testing. Allele origin: germline.

Labcorp Genetics (formerly Invitae), Labcorp
Classification: Uncertain significance for Brugada syndrome 4. Last evaluated: 2022-07-20. Review status: criteria provided, single submitter. Criteria: Invitae Variant Classification Sherloc (09022015). Collection method: clinical testing. Allele origin: germline.
Comment: In summary, the available evidence is currently insufficient to determine the role of this variant in disease. Therefore, it has been classified as a Variant of Uncertain Significance. Algorithms developed to predict the effect of missense changes on protein structure and function are either unavailable or do not agree on the potential impact of this missense change (SIFT: "Deleterious"; PolyPhen-2: "Probably Damaging"; Align-GVGD: "Class C0"). ClinVar contains an entry for this variant (Variation ID: 411701). This variant has not been reported in the literature in individuals affected with CACNB2-related conditions. This variant is present in population databases (rs778426010, gnomAD 0.05%), and has an allele count higher than expected for a pathogenic variant. This sequence change replaces isoleucine, which is neutral and non-polar, with threonine, which is neutral and polar, at codon 288 of the CACNB2 protein (p.Ile288Thr).